The following is an entry in ClinVar:

ClinVar aggregate classification (germline): Uncertain significance. Review status: criteria provided, multiple submitters, no conflicts (2 of 4 stars). 5 submissions from 5 submitters: Uncertain significance (5). Last evaluated 2025-12-10.

Conditions:
Familial adenomatous polyposis 1 (FAP1). Also called: FAMILIAL ADENOMATOUS POLYPOSIS 1, ATTENUATED; POLYPOSIS, ADENOMATOUS INTESTINAL. Identifiers: MedGen C2713442, MONDO:0021056, OMIM 175100. Disease mechanism: loss of function.
Hereditary cancer-predisposing syndrome. Also called: Tumor predisposition; Hereditary Cancer Syndrome; Hereditary neoplastic syndrome; Neoplastic Syndromes, Hereditary. Identifiers: Orphanet 140162, MedGen C0027672, MeSH D009386, MONDO:0015356.

Allele frequency attached by ClinVar (database versions not stated): ExAC 0.00001.
gnomAD v4.1: 20 of 1,614,100 alleles (0.0012%); highest among the groups gnomAD compares: Non-Finnish European, 0.0016%; no homozygotes.

Submissions (5):

Labcorp Genetics (formerly Invitae), Labcorp
Classification: Uncertain significance for Familial adenomatous polyposis 1. Last evaluated: 2025-12-10. Review status: criteria provided, single submitter. Criteria: Invitae Variant Classification Sherloc (09022015). Collection method: clinical testing. Allele origin: germline.
Comment: This sequence change replaces tyrosine, which is neutral and polar, with asparagine, which is neutral and polar, at codon 1179 of the APC protein (p.Tyr1179Asn). This variant is present in population databases (rs751249843, gnomAD 0.0009%). This missense change has been observed in individual(s) with clinical features of Lynch syndrome (PMID: 25980754). ClinVar contains an entry for this variant (Variation ID: 411482). Invitae Evidence Modeling of protein sequence and biophysical properties (such as structural, functional, and spatial information, amino acid conservation, physicochemical variation, residue mobility, and thermodynamic stability) indicates that this missense variant is not expected to disrupt APC protein function with a negative predictive value of 95%. In summary, the available evidence is currently insufficient to determine the role of this variant in disease. Therefore, it has been classified as a Variant of Uncertain Significance.

Color Diagnostics, LLC DBA Color Health
Classification: Uncertain significance for Hereditary cancer-predisposing syndrome. Last evaluated: 2025-07-08. Review status: criteria provided, single submitter. Criteria: ACMG Guidelines, 2015. Collection method: clinical testing. Allele origin: germline.
Comment: This missense variant replaces tyrosine with asparagine at codon 1179 of the APC protein. Computational prediction suggests that this variant may have deleterious impact on protein structure and function. To our knowledge, functional studies have not been reported for this variant. This variant has been reported in an individual affected with a Lynch syndrome-associated tumor and/or polyps who carried a deletion of exons 1-9 in the EPCAM gene (PMID: 25980754). This variant has been identified in 1/249950 chromosomes in the general population by the Genome Aggregation Database (gnomAD). The available evidence is insufficient to determine the role of this variant in disease conclusively. Therefore, this variant is classified as a Variant of Uncertain Significance.

Ambry Genetics
Classification: Uncertain significance for Hereditary cancer-predisposing syndrome. Last evaluated: 2025-02-26. Review status: criteria provided, single submitter. Criteria: Ambry Variant Classification Scheme 2023. Collection method: clinical testing. Allele origin: germline.
Comment: The p.Y1179N variant (also known as c.3535T>A), located in coding exon 15 of the APC gene, results from a T to A substitution at nucleotide position 3535. The tyrosine at codon 1179 is replaced by asparagine, an amino acid with dissimilar properties. This alteration was identified in a cohort of 1260 individuals undergoing panel testing for Lynch syndrome due to having a diagnosis of a Lynch-associated cancer and/or polyps (Yurgelun MB et al. Gastroenterology. 2015 Sep;149(3):604-13.e20). This amino acid position is highly conserved in available vertebrate species. In addition, in silico predictors for this gene do not accurately predict pathogenicity. Missense alterations in APC are not a common cause of disease (Spier I et al. Genet Med. 2024 Feb;26(2):100992). Based on the available evidence, the clinical significance of this variant remains unclear.

Baylor Genetics
Classification: Uncertain significance for Familial adenomatous polyposis 1. Last evaluated: 2023-06-23. Review status: criteria provided, single submitter. Criteria: ACMG Guidelines, 2015. Collection method: clinical testing. Allele origin: unknown.

GeneDx
Classification: Uncertain significance. Last evaluated: 2017-10-24. Review status: criteria provided, single submitter. Criteria: GeneDx Variant Classification (06012015). Collection method: clinical testing. Allele origin: germline. Affected: yes.
Comment: This variant is denoted APC c.3535T>A at the cDNA level, p.Tyr1179Asn (Y1179N) at the protein level, and results in the change of a Tyrosine to an Asparagine (TAT>AAT). This variant has been observed in at least one individual with a Lynch syndrome-associated tumor and/or polyps (Yurgelun 2015). APC Tyr1179Asn was not observed at a significant allele frequency in large population cohorts (Lek 2016). Since Tyrosine and Asparagine differ in some properties, this is considered a semi-conservative amino acid substitution. APC Tyr1179Asn occurs at a position that is conserved across species and is not located in a known functional domain. In silico analyses are inconsistent regarding the effect this variant may have on protein structure and function. Based on currently available evidence, it is unclear whether APC Tyr1179Asn is a pathogenic or benign variant. We consider it to be a variant of uncertain significance.

Literature cited by the submitters: PubMed 25980754 (cited by Labcorp Genetics (formerly Invitae), Labcorp and Color Diagnostics, LLC DBA Color Health).

NM_000038.6(APC):c.3535T>A (p.Tyr1179Asn)

Gene: APC (APC regulator of Wnt signaling pathway; plus strand). Cytogenetic location: 5q22.2.
Variant type: single nucleotide variant.
Coding change: c.3535T>A on transcript NM_000038.6 (MANE Select); coding-DNA position 3535, T replaced by A.
Protein change: p.Tyr1179Asn; replaces tyrosine 1179 with asparagine.
Molecular consequence: missense variant.
Genome position (GRCh38, 1-based): chr5:112,839,129, T>A. VCF-style: chr5-112839129-T-A. GRCh37 (hg19) VCF-style: chr5-112174826-T-A.
Other names: c.3535T>A, p.Tyr1179Asn (NM_001127510.3, NM_001354895.2); c.3481T>A, p.Tyr1161Asn (NM_001127511.3); c.3589T>A, p.Tyr1197Asn (NM_001354896.2); c.3565T>A, p.Tyr1189Asn (NM_001354897.2); c.3460T>A, p.Tyr1154Asn (NM_001354898.2); c.3451T>A, p.Tyr1151Asn (NM_001354899.2); c.3412T>A, p.Tyr1138Asn (NM_001354900.2); c.3358T>A, p.Tyr1120Asn (NM_001354901.2); and 5 more; short protein forms Y1161N, Y1179N, Y1138N, Y1151N, Y1154N, Y1019N, Y1053N, Y1078N.
Identifiers: ClinVar variation 411482 (VCV000411482.60), dbSNP rs751249843, ClinGen allele CA035648.